The following is an entry in ClinVar:

ClinVar aggregate classification (germline): Uncertain significance. Review status: criteria provided, single submitter (1 of 4 stars). 2 submissions from 2 submitters: Uncertain significance (1). 1 of the submissions does not count toward it. Last evaluated 2024-02-28.

Conditions:
Cardiovascular phenotype. Identifiers: MedGen CN230736.
Cholestanol storage disease (CTX). Also called: Cerebrotendinous Xanthomatosis; CEREBRAL CHOLESTERINOSIS; CTX: Cerebrotendinous xanthomatosis. Identifiers: Orphanet 909, MedGen C0238052, MONDO:0008948, OMIM 213700.

gnomAD v4.1: 2 of 1,607,856 alleles (0.00012%); highest among the groups gnomAD compares: South Asian, 0.0022%; no homozygotes.

Submissions (2):

Ambry Genetics
Classification: Uncertain significance for Cardiovascular phenotype. Last evaluated: 2024-02-28. Review status: criteria provided, single submitter. Criteria: Ambry Variant Classification Scheme 2023. Collection method: clinical testing. Allele origin: germline.
Comment: Occurs in the last base pair of the exon Based on insufficient or conflicting evidence, the clinical significance of this alteration remains unclear.

Counsyl
Classification: Uncertain significance for Cholestanol storage disease. Last evaluated: 2018-03-18. Review status: no assertion criteria provided. Collection method: clinical testing. Allele origin: unknown. Not counted in ClinVar's aggregate classification.

NM_000784.4(CYP27A1):c.1017G>T (p.Thr339=)

Gene: CYP27A1 (cytochrome P450 family 27 subfamily A member 1; plus strand). Cytogenetic location: 2q35.
Variant type: single nucleotide variant.
Coding change: c.1017G>T on transcript NM_000784.4 (MANE Select); coding-DNA position 1017, G replaced by T.
Protein change: p.Thr339=; no amino-acid change (threonine 339 retained).
Molecular consequence: synonymous variant.
Genome position (GRCh38, 1-based): chr2:218,813,096, G>T. VCF-style: chr2-218813096-G-T. GRCh37 (hg19) VCF-style: chr2-219677819-G-T.
Identifiers: ClinVar variation 557345 (VCV000557345.3), dbSNP rs200553205, ClinGen allele CA431234069.